The following is an entry in ClinVar:

ClinVar aggregate classification (germline): Pathogenic (1 of 4 stars; one submission).

Submission:

Labcorp Genetics (formerly Invitae), Labcorp
Classification: Pathogenic. Last evaluated: 2020-10-05. Review status: criteria provided, single submitter. Criteria: Invitae Variant Classification Sherloc (09022015). Collection method: clinical testing. Allele origin: germline.
Comment: A gross deletion of the genomic region encompassing the full coding sequence of the RBP3 gene has been identified. The boundaries of this event are unknown as the deletion extends beyond the assayed region for this gene and therefore may encompass additional genes. This variant has not been reported in the literature in individuals with RBP3-related conditions. Loss-of-function variants in RBP3 are known to be pathogenic (PMID: 9614228, 23105016, 25766589). For these reasons, this variant has been classified as Pathogenic.

Literature cited by the submitters: PubMed 9614228; PubMed 23105016; PubMed 25766589.

NC_000010.10:g.(?_48370533)_(48438710_?)del

Genes: GDF10 (growth differentiation factor 10; plus strand), GDF2 (growth differentiation factor 2; plus strand), RBP3 (retinol binding protein 3; plus strand), ZNF488 (zinc finger protein 488; minus strand). Cytogenetic location: 10q11.22.
Variant type: Deletion.
Identifiers: ClinVar variation 1072695 (VCV001072695.1).